The following is an entry in ClinVar:

ClinVar aggregate classification (germline): Pathogenic (1 of 4 stars; one submission).

Submission:

Labcorp Genetics (formerly Invitae), Labcorp
Classification: Pathogenic. Last evaluated: 2022-08-06. Review status: criteria provided, single submitter. Criteria: Invitae Variant Classification Sherloc (09022015). Collection method: clinical testing. Allele origin: germline.
Comment: This variant has not been reported in the literature in individuals affected with HNF1A-related conditions. For these reasons, this variant has been classified as Pathogenic. This variant is not present in population databases (gnomAD no frequency). This sequence change creates a premature translational stop signal (p.Gly151Alafs*4) in the HNF1A gene. It is expected to result in an absent or disrupted protein product. Loss-of-function variants in HNF1A are known to be pathogenic (PMID: 15928245, 18003757).

Literature cited by the submitters: PubMed 15928245; PubMed 18003757.

NM_000545.8(HNF1A):c.452del (p.Gly151fs)

Gene: HNF1A (HNF1 homeobox A; plus strand). Cytogenetic location: 12q24.31.
Variant type: Deletion.
Coding change: c.452del on transcript NM_000545.8 (MANE Select); coding-DNA position 452, one base deleted (G; older notation c.452delG).
Protein change: p.Gly151fs; shifts the reading frame from glycine 151.
Molecular consequence: frameshift variant.
Genome position (GRCh38, 1-based): chr12:120,988,958, G deleted; the last of 3 consecutive G bases (chr12:120,988,956-120,988,958); deleting any one gives the same sequence. VCF-style (leftmost placement, unchanged base first): chr12-120988955-AG-A. GRCh37 (hg19) VCF-style: chr12-121426758-AG-A.
Other names: c.452del, p.Gly151fs (NM_001306179.2); c.452delG, p.Gly151Alafs (NM_001406915.1); short protein forms G151fs.
Identifiers: ClinVar variation 2022274 (VCV002022274.4), dbSNP rs2499987775, ClinGen allele CA2580085925.